The following is an entry in ClinVar:

NM_002202.3(ISL1):c.622G>T (p.Ala208Ser)

Gene: ISL1 (ISL LIM homeobox 1; plus strand). Cytogenetic location: 5q11.1.
Variant type: single nucleotide variant.
Coding change: c.622G>T on transcript NM_002202.3 (MANE Select); coding-DNA position 622, G replaced by T.
Protein change: p.Ala208Ser; replaces alanine 208 with serine.
Molecular consequence: missense variant.
Genome position (GRCh38, 1-based): chr5:51,389,789, G>T. VCF-style: chr5-51389789-G-T. GRCh37 (hg19) VCF-style: chr5-50685623-G-T.
Other names: short protein forms A208S.
Identifiers: ClinVar variation 2214974 (VCV002214974.5), dbSNP rs376320342, ClinGen allele CA3261039.

ClinVar aggregate classification (germline): Uncertain significance. Review status: criteria provided, single submitter (1 of 4 stars). 2 submissions from 2 submitters: Uncertain significance (1). 1 of the submissions does not count toward it. Last evaluated 2022-10-26.

Conditions:
ISL1-related disorder. Also called: ISL1-related condition.

Allele frequency attached by ClinVar (database versions not stated): gnomAD exomes below 0.00001; gnomAD 0.00001; TOPMed 0.00001; ExAC 0.00002; ESP Exome Variant Server 0.00015.
gnomAD v4.1: 6 of 1,614,098 alleles (0.00037%); highest among the groups gnomAD compares: Non-Finnish European, 0.00051%; no homozygotes.

Submissions (2):

Ambry Genetics
Classification: Uncertain significance. Last evaluated: 2022-10-26. Review status: criteria provided, single submitter. Criteria: Ambry Variant Classification Scheme 2023. Collection method: clinical testing. Allele origin: germline.

PreventionGenetics, part of Exact Sciences
Classification: Uncertain significance for ISL1-related condition. Last evaluated: 2024-04-22. Review status: no assertion criteria provided. Collection method: clinical testing. Allele origin: germline. Not counted in ClinVar's aggregate classification.
Comment: The ISL1 c.622G>T variant is predicted to result in the amino acid substitution p.Ala208Ser. To our knowledge, this variant has not been reported in the literature. This variant is reported in 0.0026% of alleles in individuals of European (non-Finnish) descent in gnomAD. At this time, the clinical significance of this variant is uncertain due to the absence of conclusive functional and genetic evidence.